The following is an entry in ClinVar:

ClinVar aggregate classification (germline): Benign/Likely benign. Review status: criteria provided, multiple submitters, no conflicts (2 of 4 stars). 12 submissions from 12 submitters: Benign (2); Likely benign (10). Last evaluated 2026-06-01.

Conditions:
Hereditary cancer-predisposing syndrome. Also called: Tumor predisposition; Neoplastic Syndromes, Hereditary; Hereditary Cancer Syndrome; Hereditary neoplastic syndrome. Identifiers: Orphanet 140162, MedGen C0027672, MeSH D009386, MONDO:0015356.
Familial cancer of breast. Also called: hereditary breast carcinoma; BREAST CANCER, FAMILIAL; Hereditary breast cancer. Identifiers: Orphanet 227535, MedGen C0346153, MONDO:0016419, OMIM 114480. Disease mechanism: loss of function.

Allele frequency attached by ClinVar (database versions not stated): ExAC 0.00005; TOPMed 0.00006.
gnomAD v4.1: 160 of 1,614,024 alleles (0.0099%); highest among the groups gnomAD compares: Non-Finnish European, 0.013%; no homozygotes.

Submissions (12):

CeGaT Center for Human Genetics Tuebingen
Classification: Likely benign. Last evaluated: 2026-06-01. Review status: criteria provided, single submitter. Criteria: CeGaT Center For Human Genetics Tuebingen Variant Classification Criteria Version 2. Collection method: clinical testing. Allele origin: germline. Affected: yes. Observed: 1 variant allele.
Comment: CHEK2: BP4, BP7

Labcorp Genetics (formerly Invitae), Labcorp
Classification: Likely benign for Familial cancer of breast. Last evaluated: 2026-01-11. Review status: criteria provided, single submitter. Criteria: Invitae Variant Classification Sherloc (09022015). Collection method: clinical testing. Allele origin: germline.

Quest Diagnostics Nichols Institute San Juan Capistrano
Classification: Likely benign. Last evaluated: 2025-06-17. Review status: criteria provided, single submitter. Criteria: Quest Diagnostics criteria. Collection method: clinical testing. Allele origin: unknown.

Myriad Genetics, Inc.
Classification: Benign for Familial cancer of breast. Last evaluated: 2024-10-02. Review status: criteria provided, single submitter. Criteria: Myriad Autosomal Dominant, Autosomal Recessive and X-Linked Classification Criteria (2023). Collection method: clinical testing. Allele origin: unknown.
Comment: This variant is considered benign. This variant is a silent/synonymous amino acid change and it is not expected to impact splicing.

Blueprint Genetics
Classification: Likely benign. Last evaluated: 2022-07-17. Review status: criteria provided, single submitter. Criteria: ACMG Guidelines, 2015. Collection method: clinical testing. Allele origin: germline.

Sema4
Classification: Likely benign for Hereditary cancer-predisposing syndrome. Last evaluated: 2021-05-26. Review status: criteria provided, single submitter. Criteria: Sema4 Curation Guidelines. Collection method: curation. Allele origin: germline.

Women's Health and Genetics/Laboratory Corporation of America, LabCorp
Classification: Likely benign. Last evaluated: 2019-08-28. Review status: criteria provided, single submitter. Criteria: LabCorp Variant Classification Summary - May 2015. Collection method: clinical testing. Allele origin: germline.

Genetic Services Laboratory, University of Chicago
Classification: Likely benign. Last evaluated: 2019-04-26. Review status: criteria provided, single submitter. Criteria: ACMG Guidelines, 2015. Collection method: clinical testing. Allele origin: germline. Affected: no.

PreventionGenetics, part of Exact Sciences
Classification: Likely benign. Last evaluated: 2017-11-30. Review status: criteria provided, single submitter. Criteria: ACMG Guidelines, 2015. Collection method: clinical testing. Allele origin: germline.

Color Diagnostics, LLC DBA Color Health
Classification: Likely benign for Hereditary cancer-predisposing syndrome. Last evaluated: 2016-04-27. Review status: criteria provided, single submitter. Criteria: ACMG Guidelines, 2015. Collection method: clinical testing. Allele origin: germline.

GeneDx
Classification: Benign. Last evaluated: 2015-03-03. Review status: criteria provided, single submitter. Criteria: GeneDx Variant Classification Process June 2021. Collection method: clinical testing. Allele origin: germline. Affected: yes.

Ambry Genetics
Classification: Likely benign for Hereditary cancer-predisposing syndrome. Last evaluated: 2014-12-26. Review status: criteria provided, single submitter. Criteria: Ambry Variant Classification Scheme 2023. Collection method: clinical testing. Allele origin: germline.

NM_007194.4(CHEK2):c.474A>C (p.Ala158=)

Gene: CHEK2 (checkpoint kinase 2; minus strand). Cytogenetic location: 22q12.1.
Variant type: single nucleotide variant.
Coding change: c.474A>C on transcript NM_007194.4 (MANE Select); coding-DNA position 474, A replaced by C.
Protein change: p.Ala158=; no amino-acid change (alanine 158 retained).
Molecular consequence: synonymous variant. On other transcripts: 5 prime UTR variant (2), intron variant (1).
Genome position (GRCh38, 1-based): chr22:28,725,095, T>G on the plus strand (A>C on the coding strand, the complement: CHEK2 is on the minus strand). VCF-style: chr22-28725095-T-G. GRCh37 (hg19) VCF-style: chr22-29121083-T-G.
Other names: c.603A>C, p.Ala201= (NM_001005735.3, NM_001438294.1); c.-304A>C (NM_001257387.3); c.-190A>C (NM_001437942.1); c.567A>C, p.Ala189= (NM_001438293.1, NM_001438295.1); c.474A>C, p.Ala158= (NM_145862.3); c.444+148A>C (NM_001349956.3).
Identifiers: ClinVar variation 183909 (VCV000183909.30), dbSNP rs745699485, ClinGen allele CA186952.